The following is an entry in ClinVar:

NM_002161.6(IARS1):c.2016+4T>C

Gene: IARS1 (isoleucyl-tRNA synthetase 1; minus strand). Cytogenetic location: 9q22.31.
Variant type: single nucleotide variant.
Coding change: c.2016+4T>C on transcript NM_002161.6 (MANE Select); 4 bases into the intron after coding-DNA position 2016, T replaced by C.
Molecular consequence: intron variant.
Genome position (GRCh38, 1-based): chr9:92,258,850, A>G on the plus strand (T>C on the coding strand, the complement: IARS1 is on the minus strand). VCF-style: chr9-92258850-A-G. GRCh37 (hg19) VCF-style: chr9-95021132-A-G.
Other names: c.2016+4T>C (NM_001378573.1, NM_001378582.1, NM_001378584.1 and 13 more transcripts); c.1893+4T>C (NM_001378583.1); c.1932+4T>C (NM_001374301.1); c.2037+4T>C (NM_001378571.1); c.2079+4T>C (NM_001378569.1).
Identifiers: ClinVar variation 2414560 (VCV002414560.3), dbSNP rs768109760, ClinGen allele CA5122430.

ClinVar aggregate classification (germline): Uncertain significance (1 of 4 stars; one submission).

Allele frequency attached by ClinVar (database versions not stated): gnomAD 0.00001; gnomAD exomes 0.00001; ExAC 0.00002; TOPMed 0.00004.
gnomAD v4.1: 9 of 1,604,142 alleles (0.00056%); highest among the groups gnomAD compares: East Asian, 0.018%; no homozygotes.

Submission:

Labcorp Genetics (formerly Invitae), Labcorp
Classification: Uncertain significance. Last evaluated: 2022-08-19. Review status: criteria provided, single submitter. Criteria: Invitae Variant Classification Sherloc (09022015). Collection method: clinical testing. Allele origin: germline.
Comment: This sequence change falls in intron 19 of the IARS gene. It does not directly change the encoded amino acid sequence of the IARS protein. It affects a nucleotide within the consensus splice site. This variant is present in population databases (rs768109760, gnomAD 0.04%). This variant has not been reported in the literature in individuals affected with IARS-related conditions. Variants that disrupt the consensus splice site are a relatively common cause of aberrant splicing (PMID: 17576681, 9536098). Algorithms developed to predict the effect of sequence changes on RNA splicing suggest that this variant is not likely to affect RNA splicing. In summary, the available evidence is currently insufficient to determine the role of this variant in disease. Therefore, it has been classified as a Variant of Uncertain Significance.

Literature cited by the submitters: PubMed 17576681; PubMed 9536098.